The following is an entry in ClinVar:

ClinVar aggregate classification (germline): Likely benign. Review status: criteria provided, single submitter (1 of 4 stars). 2 submissions from 2 submitters: Likely benign (1). 1 of the submissions does not count toward it. Last evaluated 2024-04-26.

Conditions:
JAGN1-related disorder. Also called: JAGN1-related condition.

Allele frequency attached by ClinVar (database versions not stated): 1000 Genomes Project 30x 0.00078; 1000 Genomes Project 0.00080.
gnomAD v4.1: 270 of 1,595,390 alleles (0.017%); highest among the groups gnomAD compares: South Asian, 0.29%; 2 homozygotes.

Submissions (2):

Blueprint Genetics
Classification: Likely benign. Last evaluated: 2024-04-26. Review status: criteria provided, single submitter. Criteria: ACMG Guidelines, 2015. Collection method: clinical testing. Allele origin: germline.

PreventionGenetics, part of Exact Sciences
Classification: Likely benign for JAGN1-related condition. Last evaluated: 2020-03-16. Review status: no assertion criteria provided. Collection method: clinical testing. Allele origin: germline. Not counted in ClinVar's aggregate classification.
Comment: This variant is classified as likely benign based on ACMG/AMP sequence variant interpretation guidelines (Richards et al. 2015 PMID: 25741868, with internal and published modifications).

NM_032492.4(JAGN1):c.*9T>G

Gene: JAGN1 (jagunal vesicle mediated transporter 1; plus strand). Cytogenetic location: 3p25.3.
Variant type: single nucleotide variant.
Coding change: c.*9T>G on transcript NM_032492.4 (MANE Select); 9 bases downstream of the stop codon, T replaced by G.
Molecular consequence: 3 prime UTR variant.
Genome position (GRCh38, 1-based): chr3:9,893,386, T>G. VCF-style: chr3-9893386-T-G. GRCh37 (hg19) VCF-style: chr3-9935070-T-G.
Other names: c.*9T>G (NM_001363890.1).
Identifiers: ClinVar variation 3051492 (VCV003051492.3), dbSNP rs11554811, ClinGen allele CA2245920.